The following is an entry in ClinVar:

NM_000548.5(TSC2):c.4010C>T (p.Ser1337Phe)

Gene: TSC2 (TSC complex subunit 2; plus strand). Cytogenetic location: 16p13.3.
Variant type: single nucleotide variant.
Coding change: c.4010C>T on transcript NM_000548.5 (MANE Select); coding-DNA position 4010, C replaced by T.
Protein change: p.Ser1337Phe; replaces serine 1337 with phenylalanine.
Molecular consequence: missense variant.
Genome position (GRCh38, 1-based): chr16:2,084,232, C>T. VCF-style: chr16-2084232-C-T. GRCh37 (hg19) VCF-style: chr16-2134233-C-T.
Other names: c.3809C>T, p.Ser1270Phe (NM_001077183.3); c.3941C>T, p.Ser1314Phe (NM_001114382.3); c.3701C>T, p.Ser1234Phe (NM_001318827.2); c.3665C>T, p.Ser1222Phe (NM_001318829.2); c.3278C>T, p.Ser1093Phe (NM_001318831.2); c.3842C>T, p.Ser1281Phe (NM_001318832.2); c.3812C>T, p.Ser1271Phe (NM_001363528.2); c.3878C>T, p.Ser1293Phe (NM_001370404.1); and 1 more; short protein forms S1271F, S1093F, S1270F, S1281F, S1293F, S1222F, S1314F, S1234F.
Identifiers: ClinVar variation 681136 (VCV000681136.20), dbSNP rs200411484, ClinGen allele CA050168.

ClinVar aggregate classification (germline): Conflicting classifications of pathogenicity. Review status: criteria provided, conflicting classifications (1 of 4 stars). 7 submissions from 7 submitters: Uncertain significance (2); Benign (2); Likely benign (3). Last evaluated 2025-11-25.

Conditions:
Tuberous sclerosis 2 (TSC2). Identifiers: Orphanet 805, MedGen C1860707, MONDO:0013199, OMIM 613254.
Hereditary cancer-predisposing syndrome. Also called: Tumor predisposition; Hereditary neoplastic syndrome; Hereditary Cancer Syndrome; Neoplastic Syndromes, Hereditary. Identifiers: Orphanet 140162, MedGen C0027672, MeSH D009386, MONDO:0015356.
Tuberous sclerosis syndrome (TSC). Also called: Tuberous Sclerosis Complex; Tuberous sclerosis. Identifiers: Orphanet 805, MedGen C0041341, MONDO:0001734.

Allele frequency attached by ClinVar (database versions not stated): gnomAD 0.00001; TOPMed 0.00001; gnomAD exomes 0.00002 and 0.00003; ExAC 0.00006.
gnomAD v4.1: 24 of 1,589,524 alleles (0.0015%); highest among the groups gnomAD compares: South Asian, 0.0068%; no homozygotes.

Submissions (7):

Ambry Genetics
Classification: Uncertain significance for Hereditary cancer-predisposing syndrome. Last evaluated: 2025-11-25. Review status: criteria provided, single submitter. Criteria: Ambry Variant Classification Scheme 2023. Collection method: clinical testing. Allele origin: germline.
Comment: The p.S1337F variant (also known as c.4010C>T), located in coding exon 33 of the TSC2 gene, results from a C to T substitution at nucleotide position 4010. The serine at codon 1337 is replaced by phenylalanine, an amino acid with highly dissimilar properties. This variant was detected as heterozygous in individuals with no reported features of Tuberous sclerosis complex (Ambry internal data). This amino acid position is highly conserved in available vertebrate species. In addition, this alteration is predicted to be deleterious by in silico analysis. Based on the available evidence, the clinical significance of this variant remains unclear.

Labcorp Genetics (formerly Invitae), Labcorp
Classification: Likely benign for Tuberous sclerosis 2. Last evaluated: 2025-10-21. Review status: criteria provided, single submitter. Criteria: Invitae Variant Classification Sherloc (09022015). Collection method: clinical testing. Allele origin: germline.

Myriad Genetics, Inc.
Classification: Benign for Tuberous sclerosis 2. Last evaluated: 2024-09-09. Review status: criteria provided, single submitter. Criteria: Myriad Autosomal Dominant, Autosomal Recessive and X-Linked Classification Criteria (2023). Collection method: clinical testing. Allele origin: unknown.
Comment: This variant is considered benign. Homozygosity has been confirmed in one or more individuals. As homozygosity for pathogenic variants in this gene is generally assumed to result in embryonic lethality, this variant is unlikely to be pathogenic. This variant has been observed at a population frequency that is significantly greater than expected given the associated disease prevalence and penetrance.

All of Us Research Program, National Institutes of Health
Classification: Uncertain significance for Tuberous sclerosis syndrome. Last evaluated: 2024-06-11. Review status: criteria provided, single submitter. Criteria: ACMG Guidelines, 2015. Collection method: clinical testing. Allele origin: germline. Inheritance: Autosomal dominant inheritance. Observed: 2 variant alleles, 2 heterozygotes.
Comment: This study involves interpretation of variants in research participants for the purpose of population health screening. Participant phenotype was not available at the time of variant classification. Additional details can be found in publication PMID: 35346344, PMCID: PMC8962531

Blueprint Genetics
Classification: Likely benign. Last evaluated: 2023-07-24. Review status: criteria provided, single submitter. Criteria: ACMG Guidelines, 2015. Collection method: clinical testing. Allele origin: germline.

Genome-Nilou Lab
Classification: Benign for Tuberous sclerosis 2. Last evaluated: 2021-11-07. Review status: criteria provided, single submitter. Criteria: ACMG Guidelines, 2015. Collection method: clinical testing. Allele origin: germline. Affected: no.

GeneDx
Classification: Likely benign. Last evaluated: 2018-03-21. Review status: criteria provided, single submitter. Criteria: GeneDx Variant Classification (06012015). Collection method: clinical testing. Allele origin: germline. Affected: yes.
Comment: This variant is considered likely benign or benign based on one or more of the following criteria: it is a conservative change, it occurs at a poorly conserved position in the protein, it is predicted to be benign by multiple in silico algorithms, and/or has population frequency not consistent with disease.